The following is an entry in ClinVar:

NM_000039.3(APOA1):c.527C>T (p.Ala176Val)

Gene: APOA1 (apolipoprotein A1; minus strand). Cytogenetic location: 11q23.3.
Variant type: single nucleotide variant.
Coding change: c.527C>T on transcript NM_000039.3 (MANE Select); coding-DNA position 527, C replaced by T.
Protein change: p.Ala176Val; replaces alanine 176 with valine.
Molecular consequence: missense variant.
Genome position (GRCh38, 1-based): chr11:116,836,085, G>A on the plus strand (C>T on the coding strand, the complement: APOA1 is on the minus strand). VCF-style: chr11-116836085-G-A. GRCh37 (hg19) VCF-style: chr11-116706801-G-A.
Other names: c.527C>T, p.Ala176Val (NM_001318017.2, NM_001318018.2); c.200C>T, p.Ala67Val (NM_001318021.2); short protein forms A176V, A67V.
Identifiers: ClinVar variation 2407516 (VCV002407516.3), dbSNP rs751082973, ClinGen allele CA6289789.
Genomic context (GRCh38, chr11:116,836,085, plus strand): 5'-TGGCGCAGCTCGTCGCTGTAGGGGGCCAGATGCGTGCGCAGCGCGTCCACATGGGCGCGC[G>A]CGCGGTCGCGCATCTCCTCGCCCAGTGGGCTCAGCTTCTCTTGCAGCTCGTGCAGCTTCT-3'
Protein context (NP_000030.1, residues 166-186): SPLGEEMRDR[Ala176Val]RAHVDALRTH

ClinVar aggregate classification (germline): Uncertain significance. Review status: criteria provided, multiple submitters, no conflicts (2 of 4 stars). 2 submissions from 2 submitters: Uncertain significance (2). Last evaluated 2025-12-31.

Conditions:
Cardiovascular phenotype. Identifiers: MedGen CN230736.

Allele frequency attached by ClinVar (database versions not stated): TOPMed below 0.00001; gnomAD exomes 0.00002; ExAC 0.00004.
gnomAD v4.1: 11 of 1,606,470 alleles (0.00068%); highest among the groups gnomAD compares: Admixed American, 0.015%; no homozygotes.

Submissions (2):

Labcorp Genetics (formerly Invitae), Labcorp
Classification: Uncertain significance. Last evaluated: 2025-12-31. Review status: criteria provided, single submitter. Criteria: Invitae Variant Classification Sherloc (09022015). Collection method: clinical testing. Allele origin: germline.
Comment: This sequence change replaces alanine, which is neutral and non-polar, with valine, which is neutral and non-polar, at codon 176 of the APOA1 protein (p.Ala176Val). This variant is present in population databases (rs751082973, gnomAD 0.02%). This variant has not been reported in the literature in individuals affected with APOA1-related conditions. ClinVar contains an entry for this variant (Variation ID: 2407516). Invitae Evidence Modeling of protein sequence and biophysical properties (such as structural, functional, and spatial information, amino acid conservation, physicochemical variation, residue mobility, and thermodynamic stability) indicates that this missense variant is not expected to disrupt APOA1 protein function with a negative predictive value of 95%. In summary, the available evidence is currently insufficient to determine the role of this variant in disease. Therefore, it has been classified as a Variant of Uncertain Significance.

Ambry Genetics
Classification: Uncertain significance for Cardiovascular phenotype. Last evaluated: 2022-07-05. Review status: criteria provided, single submitter. Criteria: Ambry Variant Classification Scheme 2023. Collection method: clinical testing. Allele origin: germline.